The following is an entry in ClinVar:

ClinVar aggregate classification (germline): Uncertain significance. Review status: criteria provided, multiple submitters, no conflicts (2 of 4 stars). 2 submissions from 2 submitters: Uncertain significance (2). Last evaluated 2024-08-07.

Conditions:
Hereditary cancer-predisposing syndrome. Also called: Hereditary neoplastic syndrome; Tumor predisposition; Neoplastic Syndromes, Hereditary; Hereditary Cancer Syndrome. Identifiers: Orphanet 140162, MedGen C0027672, MeSH D009386, MONDO:0015356.
Familial adenomatous polyposis 1 (FAP1). Also called: FAMILIAL ADENOMATOUS POLYPOSIS 1, ATTENUATED; POLYPOSIS, ADENOMATOUS INTESTINAL. Identifiers: MedGen C2713442, MONDO:0021056, OMIM 175100. Disease mechanism: loss of function.

Allele frequency attached by ClinVar (database versions not stated): TOPMed below 0.00001.

Submissions (2):

Ambry Genetics
Classification: Uncertain significance for Hereditary cancer-predisposing syndrome. Last evaluated: 2024-08-07. Review status: criteria provided, single submitter. Criteria: Ambry Variant Classification Scheme 2023. Collection method: clinical testing. Allele origin: germline.
Comment: The p.K1791T variant (also known as c.5372A>C), located in coding exon 15 of the APC gene, results from an A to C substitution at nucleotide position 5372. The lysine at codon 1791 is replaced by threonine, an amino acid with similar properties. This amino acid position is conserved. In addition, in silico predictors for this gene do not accurately predict pathogenicity. Based on the available evidence, the clinical significance of this variant remains unclear.

Labcorp Genetics (formerly Invitae), Labcorp
Classification: Uncertain significance for Familial adenomatous polyposis 1. Last evaluated: 2022-02-18. Review status: criteria provided, single submitter. Criteria: Invitae Variant Classification Sherloc (09022015). Collection method: clinical testing. Allele origin: germline.
Comment: This variant has not been reported in the literature in individuals affected with APC-related conditions. In summary, the available evidence is currently insufficient to determine the role of this variant in disease. Therefore, it has been classified as a Variant of Uncertain Significance. Algorithms developed to predict the effect of missense changes on protein structure and function (SIFT, PolyPhen-2, Align-GVGD) all suggest that this variant is likely to be disruptive. ClinVar contains an entry for this variant (Variation ID: 656325). This variant is not present in population databases (gnomAD no frequency). This sequence change replaces lysine, which is basic and polar, with threonine, which is neutral and polar, at codon 1791 of the APC protein (p.Lys1791Thr).

NM_000038.6(APC):c.5372A>C (p.Lys1791Thr)

Gene: APC (APC regulator of Wnt signaling pathway; plus strand). Cytogenetic location: 5q22.2.
Variant type: single nucleotide variant.
Coding change: c.5372A>C on transcript NM_000038.6 (MANE Select); coding-DNA position 5372, A replaced by C.
Protein change: p.Lys1791Thr; replaces lysine 1791 with threonine.
Molecular consequence: missense variant.
Genome position (GRCh38, 1-based): chr5:112,840,966, A>C. VCF-style: chr5-112840966-A-C. GRCh37 (hg19) VCF-style: chr5-112176663-A-C.
Other names: c.5372A>C, p.Lys1791Thr (NM_001127510.3, NM_001354895.2); c.5318A>C, p.Lys1773Thr (NM_001127511.3); c.5426A>C, p.Lys1809Thr (NM_001354896.2); c.5402A>C, p.Lys1801Thr (NM_001354897.2); c.5297A>C, p.Lys1766Thr (NM_001354898.2); c.5288A>C, p.Lys1763Thr (NM_001354899.2); c.5249A>C, p.Lys1750Thr (NM_001354900.2); c.5195A>C, p.Lys1732Thr (NM_001354901.2); and 5 more; short protein forms K1763T, K1766T, K1809T, K1665T, K1690T, K1750T, K1631T, K1732T.
Identifiers: ClinVar variation 656325 (VCV000656325.11), dbSNP rs775740112, ClinGen allele CA16033071.